The following is an entry in ClinVar:

NM_001492.6(GDF1):c.878C>T (p.Ala293Val)

Genes: CERS1 (ceramide synthase 1; minus strand), GDF1 (growth differentiation factor 1; minus strand). Cytogenetic location: 19p13.11.
Variant type: single nucleotide variant.
Coding change: c.878C>T on transcript NM_001492.6 (MANE Select); coding-DNA position 878, C replaced by T.
Protein change: p.Ala293Val; replaces alanine 293 with valine.
Molecular consequence: missense variant. On other transcripts: 3 prime UTR variant (2).
Genome position (GRCh38, 1-based): chr19:18,868,838, G>A on the plus strand (C>T on the coding strand, the complement: GDF1 is on the minus strand). VCF-style: chr19-18868838-G-A. GRCh37 (hg19) VCF-style: chr19-18979647-G-A.
Other names: c.*1739C>T (NM_001387440.1); c.*1147C>T (NM_021267.5); c.878C>T, p.Ala293Val (NM_001387438.1); short protein forms A293V.
Identifiers: ClinVar variation 2396179 (VCV002396179.3), dbSNP rs1394561582, ClinGen allele CA404862179.

ClinVar aggregate classification (germline): Uncertain significance. Review status: criteria provided, multiple submitters, no conflicts (2 of 4 stars). 2 submissions from 2 submitters: Uncertain significance (2). Last evaluated 2022-10-06.

Conditions:
GDF1-related disorder. Also called: GDF1-related condition.

Allele frequency attached by ClinVar (database versions not stated): gnomAD 0.00001; TOPMed 0.00003.
gnomAD v4.1: 21 of 1,452,736 alleles (0.0014%); highest among the groups gnomAD compares: Admixed American, 0.0086%; no homozygotes.

Submissions (2):

PreventionGenetics, part of Exact Sciences
Classification: Uncertain significance for GDF1-related condition. Last evaluated: 2022-10-06. Review status: criteria provided, single submitter. Criteria: ACMG Guidelines, 2015. Collection method: clinical testing. Allele origin: germline.
Comment: The GDF1 c.878C>T variant is predicted to result in the amino acid substitution p.Ala293Val. To our knowledge, this variant has not been reported in the literature. This variant is reported in 0.014% of alleles in individuals of Latino descent in gnomAD. At this time, the clinical significance of this variant is uncertain due to the absence of conclusive functional and genetic evidence.

Ambry Genetics
Classification: Uncertain significance. Last evaluated: 2021-06-18. Review status: criteria provided, single submitter. Criteria: Ambry Variant Classification Scheme 2023. Collection method: clinical testing. Allele origin: germline.